The following is an entry in ClinVar:

ClinVar aggregate classification (germline): Uncertain significance (1 of 4 stars; one submission).

gnomAD v4.1: 29 of 1,613,020 alleles (0.0018%); highest among the groups gnomAD compares: East Asian, 0.0045%; no homozygotes.

Submission:

GeneDx
Classification: Uncertain significance. Last evaluated: 2024-10-15. Review status: criteria provided, single submitter. Criteria: GeneDx Variant Classification Process June 2021. Collection method: clinical testing. Allele origin: germline. Affected: yes.
Comment: Not observed at significant frequency in large population cohorts (gnomAD); In silico analysis supports that this missense variant has a deleterious effect on protein structure/function; Has not been previously published as pathogenic or benign to our knowledge

NM_020631.6(PLEKHG5):c.154C>T (p.Arg52Trp)

Gene: PLEKHG5 (pleckstrin homology and RhoGEF domain containing G5; minus strand). Cytogenetic location: 1p36.31.
Variant type: single nucleotide variant.
Coding change: c.154C>T on transcript NM_020631.6 (MANE Select); coding-DNA position 154, C replaced by T.
Protein change: p.Arg52Trp; replaces arginine 52 with tryptophan.
Molecular consequence: missense variant.
Genome position (GRCh38, 1-based): chr1:6,475,518, G>A on the plus strand (C>T on the coding strand, the complement: PLEKHG5 is on the minus strand). VCF-style: chr1-6475518-G-A. GRCh37 (hg19) VCF-style: chr1-6535578-G-A.
Other names: c.265C>T, p.Arg89Trp (NM_001042663.3, NM_001265592.2); c.154C>T, p.Arg52Trp (NM_001042664.2, NM_001042665.2, NM_001265594.3 and 1 more transcripts); c.361C>T, p.Arg121Trp (NM_001265593.2); short protein forms R121W, R52W, R89W.
Identifiers: ClinVar variation 3781167 (VCV003781167.1).